The following is an entry in ClinVar:

NM_178140.4(PDZD2):c.1848C>T (p.Val616=)

Gene: PDZD2 (PDZ domain containing 2; plus strand). Cytogenetic location: 5p13.3.
Variant type: single nucleotide variant.
Coding change: c.1848C>T on transcript NM_178140.4 (MANE Select); coding-DNA position 1848, C replaced by T.
Protein change: p.Val616=; no amino-acid change (valine 616 retained).
Molecular consequence: synonymous variant.
Genome position (GRCh38, 1-based): chr5:32,053,831, C>T. VCF-style: chr5-32053831-C-T. GRCh37 (hg19) VCF-style: chr5-32053937-C-T.
Identifiers: ClinVar variation 3043693 (VCV003043693.2), dbSNP rs147999865, ClinGen allele CA3218996.

ClinVar aggregate classification (germline): Likely benign (0 of 4 stars; one submission).

Conditions:
PDZD2-related disorder. Also called: PDZD2-related condition.

Allele frequency attached by ClinVar (database versions not stated): 1000 Genomes Project 30x 0.00016; 1000 Genomes Project 0.00020; TOPMed 0.00036; gnomAD 0.00054; ExAC 0.00058; ESP Exome Variant Server 0.00108.
gnomAD v4.1: 1,043 of 1,613,390 alleles (0.065%); highest among the groups gnomAD compares: Non-Finnish European, 0.078%; 1 homozygote.

Submission:

PreventionGenetics, part of Exact Sciences
Classification: Likely benign for PDZD2-related condition. Last evaluated: 2019-05-28. Review status: no assertion criteria provided. Collection method: clinical testing. Allele origin: germline.
Comment: This variant is classified as likely benign based on ACMG/AMP sequence variant interpretation guidelines (Richards et al. 2015 PMID: 25741868, with internal and published modifications).